The following is an entry in ClinVar:

NM_003482.4(KMT2D):c.4932C>G (p.Asp1644Glu)

Gene: KMT2D (lysine methyltransferase 2D; minus strand). Cytogenetic location: 12q13.12.
Variant type: single nucleotide variant.
Coding change: c.4932C>G on transcript NM_003482.4 (MANE Select); coding-DNA position 4932, C replaced by G.
Protein change: p.Asp1644Glu; replaces aspartic acid 1644 with glutamic acid.
Molecular consequence: missense variant.
Genome position (GRCh38, 1-based): chr12:49,044,775, G>C on the plus strand (C>G on the coding strand, the complement: KMT2D is on the minus strand). VCF-style: chr12-49044775-G-C. GRCh37 (hg19) VCF-style: chr12-49438558-G-C.
Other names: short protein forms D1644E.
Identifiers: ClinVar variation 1379095 (VCV001379095.6), dbSNP rs2120587496, ClinGen allele CA384639589.
Genomic context (GRCh38, chr12:49,044,775, plus strand): 5'-TGCCGCTCCCTAAGATTCCCCAAGCTAACCTTCACCCTTGAGCAGCTCATCGGTGTCCAG[G>C]TCCCCATCCTTCTTGTCATCAGGGCCAAGGGCATCTGAGGGCTCAGAACCCTCCAATCCT-3'
Protein context (NP_003473.3, residues 1634-1654): ALGPDDKKDG[Asp1644Glu]LDTDELLKGE

ClinVar aggregate classification (germline): Uncertain significance (1 of 4 stars; one submission).

Conditions:
Kabuki syndrome. Also called: NIIKAWA-KUROKI SYNDROME; Kabuki make-up syndrome. Identifiers: Orphanet 2322, MedGen C0796004, MONDO:0016512.

Submission:

Labcorp Genetics (formerly Invitae), Labcorp
Classification: Uncertain significance for Kabuki syndrome. Last evaluated: 2022-07-06. Review status: criteria provided, single submitter. Criteria: Invitae Variant Classification Sherloc (09022015). Collection method: clinical testing. Allele origin: germline.
Comment: ClinVar contains an entry for this variant (Variation ID: 1379095). This variant has not been reported in the literature in individuals affected with KMT2D-related conditions. This variant is not present in population databases (gnomAD no frequency). This sequence change replaces aspartic acid, which is acidic and polar, with glutamic acid, which is acidic and polar, at codon 1644 of the KMT2D protein (p.Asp1644Glu). Advanced modeling of protein sequence and biophysical properties (such as structural, functional, and spatial information, amino acid conservation, physicochemical variation, residue mobility, and thermodynamic stability) performed at Invitae indicates that this missense variant is not expected to disrupt KMT2D protein function. In summary, the available evidence is currently insufficient to determine the role of this variant in disease. Therefore, it has been classified as a Variant of Uncertain Significance.